The following is an entry in ClinVar:

ClinVar aggregate classification (germline): Conflicting classifications of pathogenicity. Review status: criteria provided, conflicting classifications (1 of 4 stars). 5 submissions from 5 submitters: Uncertain significance (2); Likely benign (1). 2 of the submissions do not count toward it. Last evaluated 2025-08-30.

Conditions:
RNF135-related disorder. Also called: RNF135-related condition.

Allele frequency attached by ClinVar (database versions not stated): ExAC 0.00017; gnomAD exomes 0.00020 and 0.00050; TOPMed 0.00025; gnomAD 0.00027; ESP Exome Variant Server 0.00069.
gnomAD v4.1: 755 of 1,611,650 alleles (0.047%); highest among the groups gnomAD compares: Non-Finnish European, 0.062%; 1 homozygote.

Submissions (5):

Ambry Genetics
Classification: Uncertain significance. Last evaluated: 2025-08-30. Review status: criteria provided, single submitter. Criteria: Ambry Variant Classification Scheme 2023. Collection method: clinical testing. Allele origin: germline.

PreventionGenetics, part of Exact Sciences
Classification: Likely benign for RNF135-related condition. Last evaluated: 2025-01-24. Review status: criteria provided, single submitter. Criteria: ACMG Guidelines, 2015. Collection method: clinical testing. Allele origin: germline.
Comment: This variant is classified as likely benign based on ACMG/AMP sequence variant interpretation guidelines (Richards et al. 2015 PMID: 25741868, with internal and published modifications).

Eurofins Ntd Llc (ga)
Classification: Uncertain significance. Last evaluated: 2018-07-25. Review status: criteria provided, single submitter. Criteria: EGL ClinVar v180209 classification definitions. Collection method: clinical testing. Allele origin: germline. Observed: 1 variant allele, 1 heterozygote.

Clinical Genetics DNA and cytogenetics Diagnostics Lab, Erasmus MC, Erasmus Medical Center
Classification: Likely benign. Review status: no assertion criteria provided. Collection method: clinical testing. Allele origin: germline. Affected: yes. Study: VKGL Data-share Consensus. Not counted in ClinVar's aggregate classification.

Laboratory of Diagnostic Genome Analysis, Leiden University Medical Center (LUMC)
Classification: Likely benign. Review status: no assertion criteria provided. Collection method: clinical testing. Allele origin: germline. Affected: yes. Study: VKGL Data-share Consensus. Not counted in ClinVar's aggregate classification.

NM_032322.4(RNF135):c.1009G>A (p.Asp337Asn)

Gene: RNF135 (ring finger protein 135; plus strand). Cytogenetic location: 17q11.2.
Variant type: single nucleotide variant.
Coding change: c.1009G>A on transcript NM_032322.4 (MANE Select); coding-DNA position 1009, G replaced by A.
Protein change: p.Asp337Asn; replaces aspartic acid 337 with asparagine.
Molecular consequence: missense variant. On other transcripts: 3 prime UTR variant (2).
Genome position (GRCh38, 1-based): chr17:30,998,901, G>A. VCF-style: chr17-30998901-G-A. GRCh37 (hg19) VCF-style: chr17-29325919-G-A.
Other names: c.*213G>A (NM_001184992.2, NM_197939.2); c.1009G>A (NM_032322.3); short protein forms D337N.
Identifiers: ClinVar variation 597992 (VCV000597992.12), dbSNP rs148682566, ClinGen allele CA8485380.